The following is an entry in ClinVar:

NM_001161748.2(LIM2):c.460+1G>A

Gene: LIM2 (lens intrinsic membrane protein 2; minus strand). Cytogenetic location: 19q13.41.
Variant type: single nucleotide variant.
Coding change: c.460+1G>A on transcript NM_001161748.2 (MANE Select); the canonical splice donor site of the intron after coding-DNA position 460, G replaced by A.
Molecular consequence: splice donor variant.
Genome position (GRCh38, 1-based): chr19:51,380,504, C>T on the plus strand (G>A on the coding strand, the complement: LIM2 is on the minus strand). VCF-style: chr19-51380504-C-T. GRCh37 (hg19) VCF-style: chr19-51883758-C-T.
Other names: c.586+1G>A (NM_030657.4).
Identifiers: ClinVar variation 3610259 (VCV003610259.2).

ClinVar aggregate classification (germline): Uncertain significance (1 of 4 stars; one submission).

Conditions:
Cataract 19 multiple types. Also called: CATARACT 19, CORTICAL PULVERULENT; CATARACT 19, CONGENITAL TOTAL. Identifiers: Orphanet 91492, MedGen C3809004, MONDO:0014111, OMIM 615277.

Submission:

Labcorp Genetics (formerly Invitae), Labcorp
Classification: Uncertain significance for Cataract 19 multiple types. Last evaluated: 2024-09-01. Review status: criteria provided, single submitter. Criteria: Invitae Variant Classification Sherloc (09022015). Collection method: clinical testing. Allele origin: germline.
Comment: This sequence change falls in intron 4 of the LIM2 gene. It does not directly change the encoded amino acid sequence of the LIM2 protein. It affects a nucleotide within the consensus splice site. This variant is present in population databases (no rsID available, gnomAD 0.007%). This variant has not been reported in the literature in individuals affected with LIM2-related conditions. Variants that disrupt the consensus splice site are a relatively common cause of aberrant splicing (PMID: 17576681, 9536098). Algorithms developed to predict the effect of sequence changes on RNA splicing suggest that this variant may disrupt the consensus splice site. In summary, the available evidence is currently insufficient to determine the role of this variant in disease. Therefore, it has been classified as a Variant of Uncertain Significance.

Literature cited by the submitters: PubMed 17576681; PubMed 9536098.